The following is an entry in ClinVar:

ClinVar aggregate classification (germline): Uncertain significance (1 of 4 stars; one submission).

Conditions:
Ullrich congenital muscular dystrophy 2 (UCMD2). Identifiers: Orphanet 75840, MedGen C4225314, MONDO:0014654, OMIM 616470.
Bethlem myopathy 2 (BTHLM2). Identifiers: Orphanet 536516, Orphanet 610, MedGen C4225313, MONDO:0034022, OMIM 616471.

Allele frequency attached by ClinVar (database versions not stated): TOPMed below 0.00001.

Submission:

Labcorp Genetics (formerly Invitae), Labcorp
Classification: Uncertain significance for Bethlem myopathy 2; Ullrich congenital muscular dystrophy 2. Last evaluated: 2023-08-09. Review status: criteria provided, single submitter. Criteria: Invitae Variant Classification Sherloc (09022015). Collection method: clinical testing. Allele origin: germline.
Comment: This sequence change replaces isoleucine, which is neutral and non-polar, with threonine, which is neutral and polar, at codon 2482 of the COL12A1 protein (p.Ile2482Thr). This variant is not present in population databases (gnomAD no frequency). This variant has not been reported in the literature in individuals affected with COL12A1-related conditions. ClinVar contains an entry for this variant (Variation ID: 2179507). Advanced modeling of protein sequence and biophysical properties (such as structural, functional, and spatial information, amino acid conservation, physicochemical variation, residue mobility, and thermodynamic stability) performed at Invitae indicates that this missense variant is not expected to disrupt COL12A1 protein function. In summary, the available evidence is currently insufficient to determine the role of this variant in disease. Therefore, it has been classified as a Variant of Uncertain Significance.

NM_004370.6(COL12A1):c.7445T>C (p.Ile2482Thr)

Gene: COL12A1 (collagen type XII alpha 1 chain; minus strand). Cytogenetic location: 6q13.
Variant type: single nucleotide variant.
Coding change: c.7445T>C on transcript NM_004370.6 (MANE Select); coding-DNA position 7445, T replaced by C.
Protein change: p.Ile2482Thr; replaces isoleucine 2482 with threonine.
Molecular consequence: missense variant.
Genome position (GRCh38, 1-based): chr6:75,117,456, A>G on the plus strand (T>C on the coding strand, the complement: COL12A1 is on the minus strand). VCF-style: chr6-75117456-A-G. GRCh37 (hg19) VCF-style: chr6-75827172-A-G.
Other names: c.3953T>C, p.Ile1318Thr (NM_080645.3); short protein forms I1318T, I2482T.
Identifiers: ClinVar variation 2179507 (VCV002179507.4), dbSNP rs1769138388, ClinGen allele CA364746505.